The following is an entry in ClinVar:

NM_015629.4(PRPF31):c.321G>A (p.Leu107=)

Genes: PRPF31 (pre-mRNA processing factor 31; plus strand), PRPF31-AS1 (PRPF31 antisense RNA 1; minus strand). Cytogenetic location: 19q13.42.
Variant type: single nucleotide variant.
Coding change: c.321G>A on transcript NM_015629.4 (MANE Select); coding-DNA position 321, G replaced by A.
Protein change: p.Leu107=; no amino-acid change (leucine 107 retained).
Molecular consequence: synonymous variant.
Genome position (GRCh38, 1-based): chr19:54,121,942, G>A. VCF-style: chr19-54121942-G-A. GRCh37 (hg19) VCF-style: chr19-54625321-G-A.
Identifiers: ClinVar variation 2022788 (VCV002022788.4), dbSNP rs2516117715, ClinGen allele CA2580097763.

ClinVar aggregate classification (germline): Uncertain significance (1 of 4 stars; one submission).

Allele frequency attached by ClinVar (database versions not stated): gnomAD exomes below 0.00001.

Submission:

Labcorp Genetics (formerly Invitae), Labcorp
Classification: Uncertain significance. Last evaluated: 2024-02-05. Review status: criteria provided, single submitter. Criteria: Invitae Variant Classification Sherloc (09022015). Collection method: clinical testing. Allele origin: germline.
Comment: This sequence change affects codon 107 of the PRPF31 mRNA. It is a 'silent' change, meaning that it does not change the encoded amino acid sequence of the PRPF31 protein. It affects a nucleotide within the consensus splice site. This variant is not present in population databases (gnomAD no frequency). This variant has not been reported in the literature in individuals affected with PRPF31-related conditions. ClinVar contains an entry for this variant (Variation ID: 2022788). Algorithms developed to predict the effect of sequence changes on RNA splicing suggest that this variant is not likely to affect RNA splicing. In summary, the available evidence is currently insufficient to determine the role of this variant in disease. Therefore, it has been classified as a Variant of Uncertain Significance.